The following is an entry in ClinVar:

NM_001369.3(DNAH5):c.9151G>A (p.Asp3051Asn)

Gene: DNAH5 (dynein axonemal heavy chain 5; minus strand). Cytogenetic location: 5p15.2.
Variant type: single nucleotide variant.
Coding change: c.9151G>A on transcript NM_001369.3 (MANE Select); coding-DNA position 9151, G replaced by A.
Protein change: p.Asp3051Asn; replaces aspartic acid 3051 with asparagine.
Molecular consequence: missense variant.
Genome position (GRCh38, 1-based): chr5:13,776,661, C>T on the plus strand (G>A on the coding strand, the complement: DNAH5 is on the minus strand). VCF-style: chr5-13776661-C-T. GRCh37 (hg19) VCF-style: chr5-13776770-C-T.
Other names: c.9151G>A (NM_001369.2); short protein forms D3051N.
Identifiers: ClinVar variation 2275877 (VCV002275877.15), dbSNP rs1171709721, ClinGen allele CA359209528.
Genomic context (GRCh38, chr5:13,776,661, plus strand): 5'-GCAGGTTCTCATTGGTAGGAAGGCACCTGGGGAATTCTTTTTTCATGACTGATGCCAGGT[C>T]GCTATTAATTTCATCAATTTCATCTCGAGCAAATAGGTTAGAGACCTTAAAAAGAAGTAC-3'
Protein context (NP_001360.1, residues 3041-3061): ARDEIDEINS[Asp3051Asn]LASVMKKEFP

ClinVar aggregate classification (germline): Conflicting classifications of pathogenicity. Review status: criteria provided, conflicting classifications (1 of 4 stars). 2 submissions from 2 submitters: Uncertain significance (1); Likely benign (1). Last evaluated 2024-11-18.

Conditions:
Primary ciliary dyskinesia. Also called: Ciliary dyskinesia. Identifiers: Orphanet 244, MedGen C0008780, MONDO:0016575, HP:0012265.

Allele frequency attached by ClinVar (database versions not stated): TOPMed 0.00001.
gnomAD v4.1: 9 of 1,613,692 alleles (0.00056%); highest among the groups gnomAD compares: African/African-American, 0.0013%; no homozygotes.

Submissions (2):

Labcorp Genetics (formerly Invitae), Labcorp
Classification: Uncertain significance for Primary ciliary dyskinesia. Last evaluated: 2024-11-18. Review status: criteria provided, single submitter. Criteria: Invitae Variant Classification Sherloc (09022015). Collection method: clinical testing. Allele origin: germline.
Comment: This sequence change replaces aspartic acid, which is acidic and polar, with asparagine, which is neutral and polar, at codon 3051 of the DNAH5 protein (p.Asp3051Asn). This variant is not present in population databases (gnomAD no frequency). This variant has not been reported in the literature in individuals affected with DNAH5-related conditions. ClinVar contains an entry for this variant (Variation ID: 2275877). Invitae Evidence Modeling of protein sequence and biophysical properties (such as structural, functional, and spatial information, amino acid conservation, physicochemical variation, residue mobility, and thermodynamic stability) indicates that this missense variant is not expected to disrupt DNAH5 protein function with a negative predictive value of 95%. In summary, the available evidence is currently insufficient to determine the role of this variant in disease. Therefore, it has been classified as a Variant of Uncertain Significance.

Ambry Genetics
Classification: Likely benign for Primary ciliary dyskinesia. Last evaluated: 2022-02-03. Review status: criteria provided, single submitter. Criteria: Ambry Variant Classification Scheme 2023. Collection method: clinical testing. Allele origin: germline.